The following is an entry in ClinVar:

ClinVar aggregate classification (germline): Benign/Likely benign. Review status: criteria provided, multiple submitters, no conflicts (2 of 4 stars). 3 submissions from 3 submitters: Benign (2); Likely benign (1). Last evaluated 2025-06-19.

Submissions (3):

Labcorp Genetics (formerly Invitae), Labcorp
Classification: Benign. Last evaluated: 2025-06-19. Review status: criteria provided, single submitter. Criteria: Invitae Variant Classification Sherloc (09022015). Collection method: clinical testing. Allele origin: germline.

Blueprint Genetics
Classification: Likely benign. Last evaluated: 2024-11-26. Review status: criteria provided, single submitter. Criteria: ACMG Guidelines, 2015. Collection method: clinical testing. Allele origin: germline.

Mayo Clinic Laboratories, Mayo Clinic
Classification: Benign. Last evaluated: 2023-12-19. Review status: criteria provided, single submitter. Criteria: ACMG Guidelines, 2015. Collection method: clinical testing. Allele origin: germline. Observed: 470 variant alleles.
Comment: BA1, BP4, BP7

NM_000082.4(ERCC8):c.1123-3del

Gene: ERCC8 (ERCC excision repair 8, CSA ubiquitin ligase complex subunit; minus strand). Cytogenetic location: 5q12.1.
Variant type: Deletion.
Coding change: c.1123-3del on transcript NM_000082.4 (MANE Select); 3 bases into the intron before coding-DNA position 1123, one base deleted (T; older notation c.1123-3delT).
Molecular consequence: intron variant.
Genome position (GRCh38, 1-based): chr5:60,874,686, A deleted on the plus strand (T on the coding strand, the reverse complement: ERCC8 is on the minus strand); the first of 12 consecutive A bases (chr5:60,874,686-60,874,697); deleting any one gives the same sequence. VCF-style (leftmost placement, unchanged base first): chr5-60874685-TA-T. GRCh37 (hg19) VCF-style: chr5-60170512-TA-T.
Other names: p.?; c.1123-3del (NM_000082.3); c.664-3del (NM_001290285.2); c.949-3del (NM_001007233.3).
Identifiers: ClinVar variation 3708193 (VCV003708193.4).